The following is an entry in ClinVar:

NM_001039958.2(MESP2):c.471dup (p.Ser158fs)

Gene: MESP2 (mesoderm posterior bHLH transcription factor 2; plus strand). Cytogenetic location: 15q26.1.
Variant type: Duplication.
Coding change: c.471dup on transcript NM_001039958.2 (MANE Select); coding-DNA position 471, one base duplicated (G; older notation c.471dupG).
Protein change: p.Ser158fs; shifts the reading frame from serine 158.
Molecular consequence: frameshift variant.
Genome position (GRCh38, 1-based): chr15:89,776,828, G duplicated; the last of 4 consecutive G bases (chr15:89,776,825-89,776,828); duplicating any one gives the same sequence. VCF-style (leftmost placement, unchanged base first): chr15-89776824-C-CG. GRCh37 (hg19) VCF-style: chr15-90320055-C-CG.
Other names: short protein forms S158fs.
Identifiers: ClinVar variation 642227 (VCV000642227.8), dbSNP rs1596154534, ClinGen allele CA915946131.

ClinVar aggregate classification (germline): Pathogenic (1 of 4 stars; one submission).

Submission:

Labcorp Genetics (formerly Invitae), Labcorp
Classification: Pathogenic. Last evaluated: 2018-12-27. Review status: criteria provided, single submitter. Criteria: Invitae Variant Classification Sherloc (09022015). Collection method: clinical testing. Allele origin: germline.
Comment: For these reasons, this variant has been classified as Pathogenic. This variant disrupts the C-terminus of the MESP2 protein. Other variant(s) that disrupt this region (p.Gly169Profs*199) have been determined to be pathogenic (PMID: 15122512, 18485326). This suggests that variants that disrupt this region of the protein are likely to be causative of disease. This variant has not been reported in the literature in individuals with MESP2-related conditions. The frequency data for this variant in the population databases is considered unreliable, as metrics indicate insufficient coverage at this position in the ExAC database. This sequence change results in a premature translational stop signal in the MESP2 gene (p.Ser158Valfs*209). While this is not anticipated to result in nonsense mediated decay, it is expected to disrupt the last 240 amino acids of the MESP2 protein.

Literature cited by the submitters: PubMed 15122512; PubMed 18485326.